The following is an entry in ClinVar:

NM_002075.4(GNB3):c.810C>G (p.Ile270Met)

Genes: CDCA3 (cell division cycle associated 3; minus strand), GNB3 (G protein subunit beta 3; plus strand). Cytogenetic location: 12p13.31.
Variant type: single nucleotide variant.
Coding change: c.810C>G on transcript NM_002075.4 (MANE Select); coding-DNA position 810, C replaced by G.
Protein change: p.Ile270Met; replaces isoleucine 270 with methionine.
Molecular consequence: missense variant. On other transcripts: 3 prime UTR variant (1).
Genome position (GRCh38, 1-based): chr12:6,845,696, C>G. VCF-style: chr12-6845696-C-G. GRCh37 (hg19) VCF-style: chr12-6954860-C-G.
Other names: c.807C>G, p.Ile269Met (NM_001297571.2); c.*1092G>C (NM_001297603.3); short protein forms I269M, I270M.
Identifiers: ClinVar variation 3661105 (VCV003661105.2).
Genomic context (GRCh38, chr12:6,845,696, plus strand): 5'-CCGCTTGTTTGACCTGCGGGCAGACCAGGAGCTGATCTGCTTCTCCCACGAGAGCATCAT[C>G]TGCGGCATCACGTCCGTGGCCTTCTCCCTCAGTGGCCGCCTACTATTCGCTGGCTACGAC-3'
Protein context (NP_002066.1, residues 260-280): ELICFSHESI[Ile270Met]CGITSVAFSL

ClinVar aggregate classification (germline): Uncertain significance (1 of 4 stars; one submission).

gnomAD v4.1: 1 of 1,614,098 alleles (0.000062%); highest among the groups gnomAD compares: African/African-American, 0.0013%; no homozygotes.

Submission:

Labcorp Genetics (formerly Invitae), Labcorp
Classification: Uncertain significance. Last evaluated: 2024-09-04. Review status: criteria provided, single submitter. Criteria: Invitae Variant Classification Sherloc (09022015). Collection method: clinical testing. Allele origin: germline.
Comment: This sequence change replaces isoleucine, which is neutral and non-polar, with methionine, which is neutral and non-polar, at codon 270 of the GNB3 protein (p.Ile270Met). This variant is present in population databases (no rsID available, gnomAD 0.007%). This variant has not been reported in the literature in individuals affected with GNB3-related conditions. Invitae Evidence Modeling of protein sequence and biophysical properties (such as structural, functional, and spatial information, amino acid conservation, physicochemical variation, residue mobility, and thermodynamic stability) indicates that this missense variant is not expected to disrupt GNB3 protein function with a negative predictive value of 80%. In summary, the available evidence is currently insufficient to determine the role of this variant in disease. Therefore, it has been classified as a Variant of Uncertain Significance.